The following is an entry in ClinVar:

ClinVar aggregate classification (germline): Likely pathogenic (1 of 4 stars; one submission).

Conditions:
Hereditary cancer-predisposing syndrome. Also called: Tumor predisposition; Hereditary Cancer Syndrome; Hereditary neoplastic syndrome; Neoplastic Syndromes, Hereditary. Identifiers: Orphanet 140162, MedGen C0027672, MeSH D009386, MONDO:0015356.

Allele frequency attached by ClinVar (database versions not stated): TOPMed below 0.00001; gnomAD 0.00001.

Submission:

Ambry Genetics
Classification: Likely pathogenic for Hereditary cancer-predisposing syndrome. Last evaluated: 2024-07-26. Review status: criteria provided, single submitter. Criteria: Ambry Variant Classification Scheme 2023. Collection method: clinical testing. Allele origin: germline.
Comment: The c.571+3142C>T intronic variant results from a C to T substitution 3142 nucleotides after coding exon 3 in the RAD51C gene. This nucleotide position is conserved on limited sequence alignment. In silico splice site analysis predicts that this alteration will result in the creation or strengthening of a novel splice donor site. RNA studies have demonstrated that this alteration results in abnormal splicing in the set of samples tested (Ambry internal data). This variant is considered to be rare based on population cohorts in the Genome Aggregation Database (gnomAD). Based on the majority of available evidence to date, this variant is likely to be pathogenic.

NM_058216.3(RAD51C):c.571+3142C>T

Gene: RAD51C (RAD51 paralog C; plus strand). Cytogenetic location: 17q22.
Variant type: single nucleotide variant.
Coding change: c.571+3142C>T on transcript NM_058216.3 (MANE Select); 3142 bases into the intron after coding-DNA position 571, C replaced by T.
Molecular consequence: intron variant.
Genome position (GRCh38, 1-based): chr17:58,700,001, C>T. VCF-style: chr17-58700001-C-T. GRCh37 (hg19) VCF-style: chr17-56777362-C-T.
Identifiers: ClinVar variation 2625143 (VCV002625143.3), dbSNP rs1598467175, ClinGen allele CA985027136.